The following is an entry in ClinVar:

ClinVar aggregate classification (germline): Uncertain significance (1 of 4 stars; one submission).

Allele frequency attached by ClinVar (database versions not stated): gnomAD exomes below 0.00001.
gnomAD v4.1: 1 of 1,613,960 alleles (0.000062%); highest among the groups gnomAD compares: Non-Finnish European, 0.000085%; no homozygotes.

Submission:

GeneDx
Classification: Uncertain significance. Last evaluated: 2022-01-26. Review status: criteria provided, single submitter. Criteria: GeneDx Variant Classification Process June 2021. Collection method: clinical testing. Allele origin: germline. Affected: yes.
Comment: Not observed at significant frequency in large population cohorts (gnomAD); In silico analysis supports that this missense variant has a deleterious effect on protein structure/function; Has not been previously published as pathogenic or benign to our knowledge

NM_001366145.2(TRPM3):c.1517T>C (p.Ile506Thr)

Gene: TRPM3 (transient receptor potential cation channel subfamily M member 3; minus strand). Cytogenetic location: 9q21.12.
Variant type: single nucleotide variant.
Coding change: c.1517T>C on transcript NM_001366145.2 (MANE Select); coding-DNA position 1517, T replaced by C.
Protein change: p.Ile506Thr; replaces isoleucine 506 with threonine.
Molecular consequence: missense variant.
Genome position (GRCh38, 1-based): chr9:70,639,124, A>G on the plus strand (T>C on the coding strand, the complement: TRPM3 is on the minus strand). VCF-style: chr9-70639124-A-G. GRCh37 (hg19) VCF-style: chr9-73254040-A-G.
Other names: c.1517T>C, p.Ile506Thr (NM_001007471.4, NM_001366146.2, NM_001366149.2 and 2 more transcripts); c.1523T>C, p.Ile508Thr (NM_001366141.2, NM_001366142.2, NM_001366143.2); c.1592T>C, p.Ile531Thr (NM_001366147.2, NM_001366148.2, NM_001366152.2); c.1058T>C, p.Ile353Thr (NM_001366154.2, NM_020952.6, NM_024971.7 and 2 more transcripts); c.1133T>C, p.Ile378Thr (NM_206946.5, NM_206947.5); short protein forms I353T, I378T, I506T, I508T, I531T.
Identifiers: ClinVar variation 1699679 (VCV001699679.2), dbSNP rs2057671989, ClinGen allele CA373562332.